The following is an entry in ClinVar:

NM_000287.4(PEX6):c.1385G>T (p.Gly462Val)

Gene: PEX6 (peroxisomal biogenesis factor 6; minus strand). Cytogenetic location: 6p21.1.
Variant type: single nucleotide variant.
Coding change: c.1385G>T on transcript NM_000287.4 (MANE Select); coding-DNA position 1385, G replaced by T.
Protein change: p.Gly462Val; replaces glycine 462 with valine.
Molecular consequence: missense variant. On other transcripts: non-coding transcript variant (1).
Genome position (GRCh38, 1-based): chr6:42,968,968, C>A on the plus strand (G>T on the coding strand, the complement: PEX6 is on the minus strand). VCF-style: chr6-42968968-C-A. GRCh37 (hg19) VCF-style: chr6-42936706-C-A.
Other names: c.1121G>T, p.Gly374Val (NM_001316313.2); short protein forms G374V, G462V.
Identifiers: ClinVar variation 4281738 (VCV004281738.1).

ClinVar aggregate classification (germline): Uncertain significance (1 of 4 stars; one submission).

Submission:

GeneDx
Classification: Uncertain significance. Last evaluated: 2025-04-03. Review status: criteria provided, single submitter. Criteria: GeneDx Variant Classification Process June 2021. Collection method: clinical testing. Allele origin: germline. Affected: yes.
Comment: Not observed at significant frequency in large population cohorts (gnomAD); In silico analysis indicates that this missense variant does not alter protein structure/function; Has not been previously published as pathogenic or benign to our knowledge